The following is an entry in ClinVar:

NM_001429.4(EP300):c.6445C>A (p.Gln2149Lys)

Gene: EP300 (EP300 lysine acetyltransferase; plus strand). Cytogenetic location: 22q13.2.
Variant type: single nucleotide variant.
Coding change: c.6445C>A on transcript NM_001429.4 (MANE Select); coding-DNA position 6445, C replaced by A.
Protein change: p.Gln2149Lys; replaces glutamine 2149 with lysine.
Molecular consequence: missense variant.
Genome position (GRCh38, 1-based): chr22:41,178,156, C>A. VCF-style: chr22-41178156-C-A. GRCh37 (hg19) VCF-style: chr22-41574160-C-A.
Other names: c.6367C>A, p.Gln2123Lys (NM_001362843.2); short protein forms Q2149K, Q2123K.
Identifiers: ClinVar variation 4991741 (VCV004991741.1).
Genomic context (GRCh38, chr22:41,178,156, plus strand): 5'-GCCATGCAGAACATGAATCCAATGCAGGCGGGCGTTCAGAGGGCTGGCCTGCCCCAGCAG[C>A]AACCACAGCAGCAACTCCAGCCACCCATGGGAGGGATGAGCCCCCAGGCTCAGCAGATGA-3'
Protein context (NP_001420.2, residues 2139-2159): GVQRAGLPQQ[Gln2149Lys]PQQQLQPPMG

ClinVar aggregate classification (germline): Uncertain significance (1 of 4 stars; one submission).

Conditions:
EP300-related disorder. Also called: EP300-related condition; EP300-related disorders.

Submission:

PreventionGenetics, part of Exact Sciences
Classification: Uncertain significance for EP300-related condition. Last evaluated: 2026-09-17. Review status: criteria provided, single submitter. Criteria: ACMG Guidelines, 2015. Collection method: clinical testing. Allele origin: germline.
Comment: The EP300 c.6445C>A variant is predicted to result in the amino acid substitution p.Gln2149Lys. To our knowledge, this variant has not been reported in the literature or in a large population database (gnomAD), indicating this variant is rare. At this time, the clinical significance of this variant is uncertain due to the absence of conclusive functional and genetic evidence.